The following is an entry in ClinVar:

ClinVar aggregate classification (germline): Uncertain significance (1 of 4 stars; one submission).

Conditions:
Rhabdoid tumor predisposition syndrome 2 (RTPS2). Identifiers: Orphanet 231108, Orphanet 69077, MedGen C2750074, MONDO:0013224, OMIM 613325.

Submission:

Labcorp Genetics (formerly Invitae), Labcorp
Classification: Uncertain significance for Rhabdoid tumor predisposition syndrome 2. Last evaluated: 2021-11-18. Review status: criteria provided, single submitter. Criteria: Invitae Variant Classification Sherloc (09022015). Collection method: clinical testing. Allele origin: germline.
Comment: In summary, the available evidence is currently insufficient to determine the role of this variant in disease. Therefore, it has been classified as a Variant of Uncertain Significance. Algorithms developed to predict the effect of missense changes on protein structure and function are either unavailable or do not agree on the potential impact of this missense change (SIFT: "Deleterious"; PolyPhen-2: "Benign"; Align-GVGD: "Class C0"). This variant has not been reported in the literature in individuals affected with SMARCA4-related conditions. This variant is not present in population databases (gnomAD no frequency). This sequence change replaces methionine, which is neutral and non-polar, with isoleucine, which is neutral and non-polar, at codon 255 of the SMARCA4 protein (p.Met255Ile).

NM_003072.5(SMARCA4):c.765G>A (p.Met255Ile)

Gene: SMARCA4 (SWI/SNF related BAF chromatin remodeling complex subunit ATPase 4; plus strand). Cytogenetic location: 19p13.2.
Variant type: single nucleotide variant.
Coding change: c.765G>A on transcript NM_003072.5 (MANE Select); coding-DNA position 765, G replaced by A.
Protein change: p.Met255Ile; replaces methionine 255 with isoleucine.
Molecular consequence: missense variant. On other transcripts: non-coding transcript variant (1).
Genome position (GRCh38, 1-based): chr19:10,986,909, G>A. VCF-style: chr19-10986909-G-A. GRCh37 (hg19) VCF-style: chr19-11097585-G-A.
Other names: c.765G>A, p.Met255Ile (NM_001128844.3, NM_001128845.2, NM_001128846.2 and 5 more transcripts); short protein forms M255I.
Identifiers: ClinVar variation 1393968 (VCV001393968.6), dbSNP rs2145795052, ClinGen allele CA404057821.
Genomic context (GRCh38, chr19:10,986,909, plus strand): 5'-GCGCAGGCATAAACCTGGGACGCACTGTTTTCTCTTTTGTTTCTCCCTACATGTAGGTAT[G>A]GGAGGGCCCAACATGCCTCCCCCAGGACCCTCGGGCGTGCCCCCCGGGATGCCAGGCCAG-3'
Protein context (NP_003063.2, residues 245-265): APPNYSRPHG[Met255Ile]GGPNMPPPGP